The following is an entry in ClinVar:

ClinVar aggregate classification (germline): Uncertain significance (1 of 4 stars; one submission).

Conditions:
Methylmalonic aciduria and homocystinuria type cblF. Also called: COBALAMIN F DISEASE; COBALAMIN, DEFECT IN LYSOSOMAL RELEASE OF; METHYLMALONIC ACIDEMIA AND HOMOCYSTINURIA, cblF TYPE; METHYLMALONIC ACIDURIA DUE TO VITAMIN B12-RELEASE DEFECT; VITAMIN B12 LYSOSOMAL RELEASE DEFECT; VITAMIN B12 STORAGE DISEASE. Identifiers: Orphanet 79284, MedGen C1848578, MONDO:0010183, OMIM 277380.

Submission:

Labcorp Genetics (formerly Invitae), Labcorp
Classification: Uncertain significance for Methylmalonic aciduria and homocystinuria type cblF. Last evaluated: 2019-12-30. Review status: criteria provided, single submitter. Criteria: Invitae Variant Classification Sherloc (09022015). Collection method: clinical testing. Allele origin: germline.
Comment: In summary, the available evidence is currently insufficient to determine the role of this variant in disease. Therefore, it has been classified as a Variant of Uncertain Significance. Algorithms developed to predict the effect of missense changes on protein structure and function (SIFT, PolyPhen-2, Align-GVGD) all suggest that this variant is likely to be disruptive, but these predictions have not been confirmed by published functional studies and their clinical significance is uncertain. This variant has not been reported in the literature in individuals with LMBRD1-related conditions. This variant is not present in population databases (ExAC no frequency). This sequence change replaces tyrosine with cysteine at codon 123 of the LMBRD1 protein (p.Tyr123Cys). The tyrosine residue is highly conserved and there is a large physicochemical difference between tyrosine and cysteine.

NM_018368.4(LMBRD1):c.368A>G (p.Tyr123Cys)

Gene: LMBRD1 (LMBR1 domain containing 1; minus strand). Cytogenetic location: 6q13.
Variant type: single nucleotide variant.
Coding change: c.368A>G on transcript NM_018368.4 (MANE Select); coding-DNA position 368, A replaced by G.
Protein change: p.Tyr123Cys; replaces tyrosine 123 with cysteine.
Molecular consequence: missense variant.
Genome position (GRCh38, 1-based): chr6:69,752,296, T>C on the plus strand (A>G on the coding strand, the complement: LMBRD1 is on the minus strand). VCF-style: chr6-69752296-T-C. GRCh37 (hg19) VCF-style: chr6-70462188-T-C.
Other names: c.149A>G, p.Tyr50Cys (NM_001363722.2, NM_001367271.1, NM_001367272.1); short protein forms Y50C, Y123C.
Identifiers: ClinVar variation 842893 (VCV000842893.10), dbSNP rs1765174962, ClinGen allele CA364802075.